The following is an entry in ClinVar:

NM_001008537.3(NEXMIF):c.2623T>G (p.Ser875Ala)

Gene: NEXMIF (neurite extension and migration factor; minus strand). Cytogenetic location: Xq13.3.
Variant type: single nucleotide variant.
Coding change: c.2623T>G on transcript NM_001008537.3 (MANE Select); coding-DNA position 2623, T replaced by G.
Protein change: p.Ser875Ala; replaces serine 875 with alanine.
Molecular consequence: missense variant.
Genome position (GRCh38, 1-based): chrX:74,741,934, A>C on the plus strand (T>G on the coding strand, the complement: NEXMIF is on the minus strand). VCF-style: chrX-74741934-A-C. GRCh37 (hg19) VCF-style: chrX-73961769-A-C.
Other names: short protein forms S875A.
Identifiers: ClinVar variation 3360316 (VCV003360316.1).

ClinVar aggregate classification (germline): Uncertain significance (1 of 4 stars; one submission).

gnomAD v4.1: 1 of 1,211,595 alleles (0.000083%); highest among the groups gnomAD compares: African/African-American, 0.0017%; no homozygotes.

Submission:

GeneDx
Classification: Uncertain significance. Last evaluated: 2023-06-22. Review status: criteria provided, single submitter. Criteria: GeneDx Variant Classification Process June 2021. Collection method: clinical testing. Allele origin: germline. Affected: yes.
Comment: Not observed at significant frequency in large population cohorts (gnomAD); In silico analysis supports that this missense variant does not alter protein structure/function; Has not been previously published as pathogenic or benign to our knowledge